The following is an entry in ClinVar:

ClinVar aggregate classification (germline): Likely benign. Review status: criteria provided, multiple submitters, no conflicts (2 of 4 stars). 2 submissions from 2 submitters: Likely benign (2). Last evaluated 2023-10-22.

Submissions (2):

Labcorp Genetics (formerly Invitae), Labcorp
Classification: Likely benign. Last evaluated: 2023-10-22. Review status: criteria provided, single submitter. Criteria: Invitae Variant Classification Sherloc (09022015). Collection method: clinical testing. Allele origin: germline.

CeGaT Center for Human Genetics Tuebingen
Classification: Likely benign. Last evaluated: 2023-04-01. Review status: criteria provided, single submitter. Criteria: CeGaT Center For Human Genetics Tuebingen Variant Classification Criteria Version 2. Collection method: clinical testing. Allele origin: germline. Affected: yes. Observed: 1 variant allele.
Comment: BRD4: PM2:Supporting, BP4, BP7

NM_001379291.1(BRD4):c.2307T>C (p.Pro769=)

Gene: BRD4 (bromodomain containing 4; minus strand). Cytogenetic location: 19p13.12.
Variant type: single nucleotide variant.
Coding change: c.2307T>C on transcript NM_001379291.1 (MANE Select); coding-DNA position 2307, T replaced by C.
Protein change: p.Pro769=; no amino-acid change (proline 769 retained).
Molecular consequence: synonymous variant.
Genome position (GRCh38, 1-based): chr19:15,244,505, A>G on the plus strand (T>C on the coding strand, the complement: BRD4 is on the minus strand). VCF-style: chr19-15244505-A-G. GRCh37 (hg19) VCF-style: chr19-15355316-A-G.
Other names: c.2307T>C, p.Pro769= (NM_058243.3).
Identifiers: ClinVar variation 2649454 (VCV002649454.27), dbSNP rs2145516676, ClinGen allele CA506080506.